The following is an entry in ClinVar:

NC_000008.10:g.(?_74890971)_(74903809_?)del

Genes: LY96 (lymphocyte antigen 96; plus strand), TMEM70 (transmembrane protein 70; plus strand). Cytogenetic location: 8q21.11.
Variant type: Deletion.
Identifiers: ClinVar variation 1456580 (VCV001456580.4).

ClinVar aggregate classification (germline): Pathogenic (1 of 4 stars; one submission).

Conditions:
Mitochondrial complex V (ATP synthase) deficiency, nuclear type 2. Also called: Nuclear-Encoded ATPase Deficiency, TMEM70-Related; ENCEPHALOCARDIOMYOPATHY, MITOCHONDRIAL, NEONATAL, DUE TO ATP SYNTHASE DEFICIENCY; MITOCHONDRIAL COMPLEX V (ATP SYNTHASE) DEFICIENCY, TMEM70 TYPE. Identifiers: Orphanet 1194, MedGen C3279699, MONDO:0013546, OMIM 614052.

Submission:

Labcorp Genetics (formerly Invitae), Labcorp
Classification: Pathogenic for Mitochondrial complex V (ATP synthase) deficiency, nuclear type 2. Last evaluated: 2021-10-03. Review status: criteria provided, single submitter. Criteria: Invitae Variant Classification Sherloc (09022015). Collection method: clinical testing. Allele origin: germline.
Comment: For these reasons, this variant has been classified as Pathogenic. This variant disrupts a region of the TMEM70 protein in which other variant(s) (p.Thr193Serfs*6) have been determined to be pathogenic (PMID: 21147908). This suggests that this is a clinically significant region of the protein, and that variants that disrupt it are likely to be disease-causing. This variant has not been reported in the literature in individuals affected with TMEM70-related conditions. This variant is a gross deletion of the genomic region encompassing exon(s) 2-3 of the TMEM70 gene, which includes the termination codon. This deletion extends beyond the assayed region for this gene and therefore may encompass additional genes. While this deletion is not anticipated to lead to nonsense mediated decay, it is expected to alter mRNA translation or result in a truncated protein product.

Literature cited by the submitters: PubMed 21147908.